The following is an entry in ClinVar:

NM_032444.4(SLX4):c.1379G>A (p.Arg460His)

Gene: SLX4 (SLX4 structure-specific endonuclease subunit; minus strand). Cytogenetic location: 16p13.3.
Variant type: single nucleotide variant.
Coding change: c.1379G>A on transcript NM_032444.4 (MANE Select); coding-DNA position 1379, G replaced by A.
Protein change: p.Arg460His; replaces arginine 460 with histidine.
Molecular consequence: missense variant.
Genome position (GRCh38, 1-based): chr16:3,597,683, C>T on the plus strand (G>A on the coding strand, the complement: SLX4 is on the minus strand). VCF-style: chr16-3597683-C-T. GRCh37 (hg19) VCF-style: chr16-3647684-C-T.
Other names: short protein forms R460H.
Identifiers: ClinVar variation 1020908 (VCV001020908.12), dbSNP rs369994733, ClinGen allele CA7866533.

ClinVar aggregate classification (germline): Uncertain significance. Review status: criteria provided, multiple submitters, no conflicts (2 of 4 stars). 5 submissions from 5 submitters: Uncertain significance (5). Last evaluated 2024-06-21.

Conditions:
Fanconi anemia complementation group P. Also called: SLX4-Related Fanconi Anemia. Identifiers: Orphanet 84, MedGen C3469542, MONDO:0013499, OMIM 613951.
Fanconi anemia (FA). Also called: Fanconi's anemia. Identifiers: Orphanet 84, MedGen C0015625, MeSH D005199, MONDO:0019391.

Allele frequency attached by ClinVar (database versions not stated): ExAC 0.00003; gnomAD exomes 0.00005; TOPMed 0.00010; ESP Exome Variant Server 0.00015.
gnomAD v4.1: 111 of 1,613,728 alleles (0.0069%); highest among the groups gnomAD compares: Non-Finnish European, 0.0088%; no homozygotes.

Submissions (5):

GeneDx
Classification: Uncertain significance. Last evaluated: 2024-06-21. Review status: criteria provided, single submitter. Criteria: GeneDx Variant Classification Process June 2021. Collection method: clinical testing. Allele origin: germline. Affected: yes.
Comment: In silico analysis supports that this missense variant has a deleterious effect on protein structure/function; Has not been previously published as pathogenic or benign to our knowledge

Labcorp Genetics (formerly Invitae), Labcorp
Classification: Uncertain significance for Fanconi anemia. Last evaluated: 2022-09-19. Review status: criteria provided, single submitter. Criteria: Invitae Variant Classification Sherloc (09022015). Collection method: clinical testing. Allele origin: germline.
Comment: This sequence change replaces arginine, which is basic and polar, with histidine, which is basic and polar, at codon 460 of the SLX4 protein (p.Arg460His). This variant is present in population databases (rs369994733, gnomAD 0.008%). This variant has not been reported in the literature in individuals affected with SLX4-related conditions. ClinVar contains an entry for this variant (Variation ID: 1020908). Algorithms developed to predict the effect of missense changes on protein structure and function output the following: SIFT: "Deleterious"; PolyPhen-2: "Benign"; Align-GVGD: "Class C0". The histidine amino acid residue is found in multiple mammalian species, which suggests that this missense change does not adversely affect protein function. In summary, the available evidence is currently insufficient to determine the role of this variant in disease. Therefore, it has been classified as a Variant of Uncertain Significance.

Baylor Genetics
Classification: Uncertain significance for Fanconi anemia complementation group P. Last evaluated: 2021-12-21. Review status: criteria provided, single submitter. Criteria: ACMG Guidelines, 2015. Collection method: clinical testing. Allele origin: unknown. Affected: yes. Study: CSER-TexasKidsCanSeq.
Comment: This variant was determined to be of uncertain significance according to ACMG Guidelines, 2015 [PMID:25741868].

Fulgent Genetics
Classification: Uncertain significance for Fanconi anemia complementation group P. Last evaluated: 2021-09-30. Review status: criteria provided, single submitter. Criteria: ACMG Guidelines, 2015. Collection method: clinical testing. Allele origin: unknown.

Genetic Services Laboratory, University of Chicago
Classification: Uncertain significance. Last evaluated: 2018-08-30. Review status: criteria provided, single submitter. Criteria: ACMG Guidelines, 2015. Collection method: clinical testing. Allele origin: germline. Affected: no.